The following is an entry in ClinVar:

NM_001321075.3(DLG4):c.898G>A (p.Asp300Asn)

Genes: DLG4 (discs large MAGUK scaffold protein 4; minus strand), LOC126862479 (MED14-independent group 3 enhancer GRCh37_chr17:7099412-7100611; plus strand). Cytogenetic location: 17p13.1.
Variant type: single nucleotide variant.
Coding change: c.898G>A on transcript NM_001321075.3 (MANE Select); coding-DNA position 898, G replaced by A.
Protein change: p.Asp300Asn; replaces aspartic acid 300 with asparagine.
Molecular consequence: missense variant. On other transcripts: non-coding transcript variant (1).
Genome position (GRCh38, 1-based): chr17:7,196,942, C>T on the plus strand (G>A on the coding strand, the complement: DLG4 is on the minus strand). VCF-style: chr17-7196942-C-T. GRCh37 (hg19) VCF-style: chr17-7100261-C-T.
Other names: c.889G>A, p.Asp297Asn (NM_001128827.4); c.1018G>A, p.Asp340Asn (NM_001321074.1); c.718G>A, p.Asp240Asn (NM_001321076.3, NM_001321077.3); c.1027G>A, p.Asp343Asn (NM_001365.5); c.817G>A, p.Asp273Asn (NM_001369566.3); c.1027G>A (NM_001365.4); short protein forms D240N, D273N, D297N, D300N, D340N, D343N.
Identifiers: ClinVar variation 3777150 (VCV003777150.1).

ClinVar aggregate classification (germline): Uncertain significance (1 of 4 stars; one submission).

Conditions:
Intellectual developmental disorder 62. Also called: MENTAL RETARDATION, AUTOSOMAL DOMINANT 62; INTELLECTUAL DEVELOPMENTAL DISORDER, AUTOSOMAL DOMINANT 62. Identifiers: MedGen C5394083, MONDO:0032919, OMIM 618793.

Submission:

University of Washington Department of Laboratory Medicine, University of Washington
Classification: Uncertain significance for Intellectual developmental disorder 62. Last evaluated: 2021-08-10. Review status: criteria provided, single submitter. Criteria: ACMG Guidelines, 2015. Collection method: clinical testing. Allele origin: unknown. Affected: yes.
Comment: The p.Asp343Asn variant in the DLG4 gene has not been previously reported in association with disease and was absent from large population databases, including the Genome Aggregation Database. The DLG4 gene has fewer missense variants in the general population than expected. A low rate of missense variation may suggest that this gene is intolerant to missense variation. This variant occurs in the PDZ3 domain of the DLG4 protein; however, in silico tools predict that p.Asp343Asn does not impact protein function. These predictions have not been tested directly. Using ACMG guidelines, this variant was classified as a variant of uncertain significance (ACMG evidence codes used: PM2_supporting, PP2, BP6).